The following is an entry in ClinVar:

ClinVar aggregate classification (germline): Uncertain significance. Review status: criteria provided, multiple submitters, no conflicts (2 of 4 stars). 3 submissions from 3 submitters: Uncertain significance (3). Last evaluated 2025-12-08.

Conditions:
Cardiovascular phenotype. Identifiers: MedGen CN230736.
Primary dilated cardiomyopathy (DCM). Also called: Dilated Cardiomyopathy. Identifiers: Orphanet 217604, MedGen C0007193, MeSH D002311, MONDO:0005021, HP:0001644. Inheritance: Various modes of inheritance.

Allele frequency attached by ClinVar (database versions not stated): gnomAD exomes 0.00001 and 0.00003; TOPMed 0.00002; gnomAD 0.00003; ExAC 0.00005.
gnomAD v4.1: 44 of 1,559,250 alleles (0.0028%); highest among the groups gnomAD compares: African/African-American, 0.0041%; no homozygotes.

Submissions (3):

Ambry Genetics
Classification: Uncertain significance for Cardiovascular phenotype. Last evaluated: 2025-12-08. Review status: criteria provided, single submitter. Criteria: Ambry Variant Classification Scheme 2023. Collection method: clinical testing. Allele origin: germline.

Labcorp Genetics (formerly Invitae), Labcorp
Classification: Uncertain significance for Primary dilated cardiomyopathy. Last evaluated: 2024-03-16. Review status: criteria provided, single submitter. Criteria: Invitae Variant Classification Sherloc (09022015). Collection method: clinical testing. Allele origin: germline.
Comment: This sequence change replaces leucine, which is neutral and non-polar, with proline, which is neutral and non-polar, at codon 253 of the TXNRD2 protein (p.Leu253Pro). This variant is present in population databases (rs773449032, gnomAD 0.01%). This variant has not been reported in the literature in individuals affected with TXNRD2-related conditions. ClinVar contains an entry for this variant (Variation ID: 1196569). Advanced modeling of protein sequence and biophysical properties (such as structural, functional, and spatial information, amino acid conservation, physicochemical variation, residue mobility, and thermodynamic stability) performed at Invitae indicates that this missense variant is expected to disrupt TXNRD2 protein function with a positive predictive value of 80%. In summary, the available evidence is currently insufficient to determine the role of this variant in disease. Therefore, it has been classified as a Variant of Uncertain Significance.

GeneDx
Classification: Uncertain significance. Last evaluated: 2021-06-10. Review status: criteria provided, single submitter. Criteria: GeneDx Variant Classification Process June 2021. Collection method: clinical testing. Allele origin: germline. Affected: yes.
Comment: Has not been previously published as pathogenic or benign to our knowledge; In silico analysis supports that this missense variant has a deleterious effect on protein structure/function; Not observed at significant frequency in large population cohorts (Lek et al., 2016) This variant is associated with the following publications: (PMID: 27535533)

NM_006440.5(TXNRD2):c.758T>C (p.Leu253Pro)

Gene: TXNRD2 (thioredoxin reductase 2; minus strand). Cytogenetic location: 22q11.21.
Variant type: single nucleotide variant.
Coding change: c.758T>C on transcript NM_006440.5 (MANE Select); coding-DNA position 758, T replaced by C.
Protein change: p.Leu253Pro; replaces leucine 253 with proline.
Molecular consequence: missense variant. On other transcripts: non-coding transcript variant (1).
Genome position (GRCh38, 1-based): chr22:19,898,055, A>G on the plus strand (T>C on the coding strand, the complement: TXNRD2 is on the minus strand). VCF-style: chr22-19898055-A-G. GRCh37 (hg19) VCF-style: chr22-19885578-A-G.
Other names: c.758T>C, p.Leu253Pro (NM_001282512.3); c.755T>C, p.Leu252Pro (NM_001352300.2); c.668T>C, p.Leu223Pro (NM_001352301.2); c.470T>C, p.Leu157Pro (NM_001352302.2); c.662T>C, p.Leu221Pro (NM_001352303.2); short protein forms L157P, L221P, L223P, L252P, L253P.
Identifiers: ClinVar variation 1196569 (VCV001196569.8), dbSNP rs773449032, ClinGen allele CA10104000.
Genomic context (GRCh38, chr22:19,898,055, plus strand): 5'-GGCCTCAGAGCCACAGGGGCGGGAGCTGGGGCCTCCAGCACTACCTGGTCGAAGCCGCGG[A>G]GGGGGATGCTGCGCATCATGATGGTGGTGTCCAGCCCAATCCCGGTGAGGAAGCCAGCAC-3'
Protein context (NP_006431.2, residues 243-263): DTTIMMRSIP[Leu253Pro]RGFDQQMSSM